The following is an entry in ClinVar:

ClinVar aggregate classification (germline): Uncertain significance (1 of 4 stars; one submission).

Conditions:
Hereditary cancer-predisposing syndrome. Also called: Neoplastic Syndromes, Hereditary; Tumor predisposition; Hereditary Cancer Syndrome; Hereditary neoplastic syndrome. Identifiers: Orphanet 140162, MedGen C0027672, MeSH D009386, MONDO:0015356.

Submission:

Ambry Genetics
Classification: Uncertain significance for Hereditary cancer-predisposing syndrome. Last evaluated: 2025-08-31. Review status: criteria provided, single submitter. Criteria: Ambry Variant Classification Scheme 2023. Collection method: clinical testing. Allele origin: germline.
Comment: The p.I1643T variant (also known as c.4928T>C), located in coding exon 32 of the ATM gene, results from a T to C substitution at nucleotide position 4928. The isoleucine at codon 1643 is replaced by threonine, an amino acid with similar properties. This amino acid position is conserved. In addition, this alteration is predicted to be tolerated by in silico analysis. Based on the available evidence, the clinical significance of this variant remains unclear.

NM_000051.4(ATM):c.4928T>C (p.Ile1643Thr)

Gene: ATM (ATM serine/threonine kinase; plus strand). Cytogenetic location: 11q22.3.
Variant type: single nucleotide variant.
Coding change: c.4928T>C on transcript NM_000051.4 (MANE Select); coding-DNA position 4928, T replaced by C.
Protein change: p.Ile1643Thr; replaces isoleucine 1643 with threonine.
Molecular consequence: missense variant.
Genome position (GRCh38, 1-based): chr11:108,297,305, T>C. VCF-style: chr11-108297305-T-C. GRCh37 (hg19) VCF-style: chr11-108168032-T-C.
Other names: c.4928T>C, p.Ile1643Thr (NM_001351834.2); short protein forms I1643T.
Identifiers: ClinVar variation 4170349 (VCV004170349.1).
Genomic context (GRCh38, chr11:108,297,305, plus strand): 5'-CTTCATGCTAGTTTAAACTAATTTTTAAAAAATTATTTCTAGATAATCCGCAAGATGGGA[T>C]TATGGTGAAACTAGTTGTCAATTTGTTGCAGTTATCCAAGATGGCAATAAACCACACTGG-3'
Protein context (NP_000042.3, residues 1633-1653): RASQDNPQDG[Ile1643Thr]MVKLVVNLLQ